The following is an entry in ClinVar:

ClinVar aggregate classification (germline): Uncertain significance. Review status: criteria provided, multiple submitters, no conflicts (2 of 4 stars). 2 submissions from 2 submitters: Uncertain significance (2). Last evaluated 2025-06-23.

Conditions:
Fanconi anemia (FA). Also called: Fanconi's anemia. Identifiers: Orphanet 84, MedGen C0015625, MeSH D005199, MONDO:0019391.

Allele frequency attached by ClinVar (database versions not stated): gnomAD exomes below 0.00001; TOPMed below 0.00001; ExAC 0.00001; gnomAD 0.00001; ESP Exome Variant Server 0.00008.

Submissions (2):

Labcorp Genetics (formerly Invitae), Labcorp
Classification: Uncertain significance for Fanconi anemia. Last evaluated: 2025-06-23. Review status: criteria provided, single submitter. Criteria: Invitae Variant Classification Sherloc (09022015). Collection method: clinical testing. Allele origin: germline.
Comment: This sequence change replaces glycine, which is neutral and non-polar, with aspartic acid, which is acidic and polar, at codon 874 of the SLX4 protein (p.Gly874Asp). This variant is present in population databases (rs150402424, gnomAD 0.007%). This variant has not been reported in the literature in individuals affected with SLX4-related conditions. ClinVar contains an entry for this variant (Variation ID: 1390428). An algorithm developed to predict the effect of missense changes on protein structure and function outputs the following: PolyPhen-2: "Benign". The aspartic acid amino acid residue is found in multiple mammalian species, which suggests that this missense change does not adversely affect protein function. In summary, the available evidence is currently insufficient to determine the role of this variant in disease. Therefore, it has been classified as a Variant of Uncertain Significance.

GeneDx
Classification: Uncertain significance. Last evaluated: 2022-04-13. Review status: criteria provided, single submitter. Criteria: GeneDx Variant Classification Process June 2021. Collection method: clinical testing. Allele origin: germline. Affected: yes.
Comment: Not observed at significant frequency in large population cohorts (gnomAD); In silico analysis supports that this missense variant does not alter protein structure/function; Has not been previously published as pathogenic or benign to our knowledge

NM_032444.4(SLX4):c.2621G>A (p.Gly874Asp)

Gene: SLX4 (SLX4 structure-specific endonuclease subunit; minus strand). Cytogenetic location: 16p13.3.
Variant type: single nucleotide variant.
Coding change: c.2621G>A on transcript NM_032444.4 (MANE Select); coding-DNA position 2621, G replaced by A.
Protein change: p.Gly874Asp; replaces glycine 874 with aspartic acid.
Molecular consequence: missense variant.
Genome position (GRCh38, 1-based): chr16:3,591,017, C>T on the plus strand (G>A on the coding strand, the complement: SLX4 is on the minus strand). VCF-style: chr16-3591017-C-T. GRCh37 (hg19) VCF-style: chr16-3641018-C-T.
Other names: short protein forms G874D.
Identifiers: ClinVar variation 1390428 (VCV001390428.5), dbSNP rs150402424, ClinGen allele CA7866116.
Genomic context (GRCh38, chr16:3,591,017, plus strand): 5'-ACACCTGCTAGGAGTTGCCCAGAAACCGGACTGCCACCCTCCAGCCAGTCAGCGTCCTCG[C>T]CGGCACCCGCTGCCCTTTCTTCCTGGAGAAGCTTTCGCTGAGTAGCTGCAAATTCATAAA-3'
Protein context (NP_115820.2, residues 864-884): LLQEERAAGA[Gly874Asp]EDADWLEGGS